The following is an entry in ClinVar:

ClinVar aggregate classification (germline): Likely benign. Review status: criteria provided, multiple submitters, no conflicts (2 of 4 stars). 3 submissions from 3 submitters: Likely benign (3). Last evaluated 2024-12-02.

Conditions:
Hereditary cancer-predisposing syndrome. Also called: Tumor predisposition; Hereditary neoplastic syndrome; Neoplastic Syndromes, Hereditary; Hereditary Cancer Syndrome. Identifiers: Orphanet 140162, MedGen C0027672, MeSH D009386, MONDO:0015356.
Fanconi anemia complementation group J. Also called: BRIP1-Related Fanconi Anemia. Identifiers: Orphanet 84, MedGen C1836860, MONDO:0012187, OMIM 609054.
Familial cancer of breast. Also called: hereditary breast carcinoma; Hereditary breast cancer; BREAST CANCER, FAMILIAL. Identifiers: Orphanet 227535, MedGen C0346153, MONDO:0016419, OMIM 114480. Disease mechanism: loss of function.

Allele frequency attached by ClinVar (database versions not stated): gnomAD exomes 0.00001.
gnomAD v4.1: 3 of 1,610,862 alleles (0.00019%); highest among the groups gnomAD compares: Non-Finnish European, 0.00025%; no homozygotes.

Submissions (3):

Labcorp Genetics (formerly Invitae), Labcorp
Classification: Likely benign for Familial cancer of breast; Fanconi anemia complementation group J. Last evaluated: 2024-12-02. Review status: criteria provided, single submitter. Criteria: Invitae Variant Classification Sherloc (09022015). Collection method: clinical testing. Allele origin: germline.

Myriad Genetics, Inc.
Classification: Likely benign for Familial cancer of breast. Last evaluated: 2024-09-03. Review status: criteria provided, single submitter. Criteria: Myriad Autosomal Dominant, Autosomal Recessive and X-Linked Classification Criteria (2023). Collection method: clinical testing. Allele origin: unknown.
Comment: This variant is considered likely benign. This variant is intronic and is not expected to impact mRNA splicing.

Color Diagnostics, LLC DBA Color Health
Classification: Likely benign for Hereditary cancer-predisposing syndrome. Last evaluated: 2017-02-21. Review status: criteria provided, single submitter. Criteria: ACMG Guidelines, 2015. Collection method: clinical testing. Allele origin: germline.

NM_032043.3(BRIP1):c.2098-10C>T

Gene: BRIP1 (BRCA1 interacting DNA helicase 1; minus strand). Cytogenetic location: 17q23.2.
Variant type: single nucleotide variant.
Coding change: c.2098-10C>T on transcript NM_032043.3 (MANE Select); 10 bases into the intron before coding-DNA position 2098, C replaced by T.
Molecular consequence: intron variant.
Genome position (GRCh38, 1-based): chr17:61,744,601, G>A on the plus strand (C>T on the coding strand, the complement: BRIP1 is on the minus strand). VCF-style: chr17-61744601-G-A. GRCh37 (hg19) VCF-style: chr17-59821962-G-A.
Identifiers: ClinVar variation 221169 (VCV000221169.14), dbSNP rs864622767, ClinGen allele CA350259.